The following is an entry in ClinVar:

NM_006059.4(LAMC3):c.3743C>T (p.Pro1248Leu)

Gene: LAMC3 (laminin subunit gamma 3; plus strand). Cytogenetic location: 9q34.12.
Variant type: single nucleotide variant.
Coding change: c.3743C>T on transcript NM_006059.4 (MANE Select); coding-DNA position 3743, C replaced by T.
Protein change: p.Pro1248Leu; replaces proline 1248 with leucine.
Molecular consequence: missense variant.
Genome position (GRCh38, 1-based): chr9:131,077,300, C>T. VCF-style: chr9-131077300-C-T. GRCh37 (hg19) VCF-style: chr9-133952687-C-T.
Other names: short protein forms P1248L.
Identifiers: ClinVar variation 1310506 (VCV001310506.29), dbSNP rs143410330, ClinGen allele CA5287919.

ClinVar aggregate classification (germline): Conflicting classifications of pathogenicity. Review status: criteria provided, conflicting classifications (1 of 4 stars). 4 submissions from 4 submitters: Uncertain significance (3); Likely benign (1). Last evaluated 2024-05-07.

Conditions:
Inborn genetic diseases. Identifiers: MedGen C0950123, MeSH D030342.

Allele frequency attached by ClinVar (database versions not stated): ESP Exome Variant Server 0.00008; gnomAD 0.00013; TOPMed 0.00017; gnomAD exomes 0.00018; ExAC 0.00025.
gnomAD v4.1: 181 of 1,614,018 alleles (0.011%); highest among the groups gnomAD compares: East Asian, 0.098%; no homozygotes.

Submissions (4):

Ambry Genetics
Classification: Likely benign for Inborn genetic diseases. Last evaluated: 2024-05-07. Review status: criteria provided, single submitter. Criteria: Ambry Variant Classification Scheme 2023. Collection method: clinical testing. Allele origin: germline.

CeGaT Center for Human Genetics Tuebingen
Classification: Uncertain significance. Last evaluated: 2024-02-01. Review status: criteria provided, single submitter. Criteria: CeGaT Center For Human Genetics Tuebingen Variant Classification Criteria Version 2. Collection method: clinical testing. Allele origin: germline. Affected: yes. Observed: 1 variant allele.
Comment: LAMC3: PM2, BP4

Labcorp Genetics (formerly Invitae), Labcorp
Classification: Uncertain significance. Last evaluated: 2022-08-07. Review status: criteria provided, single submitter. Criteria: Invitae Variant Classification Sherloc (09022015). Collection method: clinical testing. Allele origin: germline.
Comment: This sequence change replaces proline, which is neutral and non-polar, with leucine, which is neutral and non-polar, at codon 1248 of the LAMC3 protein (p.Pro1248Leu). This variant is present in population databases (rs143410330, gnomAD 0.07%). This variant has not been reported in the literature in individuals affected with LAMC3-related conditions. ClinVar contains an entry for this variant (Variation ID: 1310506). Algorithms developed to predict the effect of missense changes on protein structure and function output the following: SIFT: "Tolerated"; PolyPhen-2: "Benign"; Align-GVGD: "Class C0". The leucine amino acid residue is found in multiple mammalian species, which suggests that this missense change does not adversely affect protein function. In summary, the available evidence is currently insufficient to determine the role of this variant in disease. Therefore, it has been classified as a Variant of Uncertain Significance.

GeneDx
Classification: Uncertain significance. Last evaluated: 2019-11-26. Review status: criteria provided, single submitter. Criteria: GeneDx Variant Classification Process June 2021. Collection method: clinical testing. Allele origin: germline. Affected: yes.
Comment: In silico analysis, which includes protein predictors and evolutionary conservation, supports that this variant does not alter protein structure/function; Has not been previously published as pathogenic or benign to our knowledge